The following is an entry in ClinVar:

ClinVar aggregate classification (germline): Uncertain significance (1 of 4 stars; one submission).

Conditions:
Kabuki syndrome. Also called: NIIKAWA-KUROKI SYNDROME; Kabuki make-up syndrome. Identifiers: Orphanet 2322, MedGen C0796004, MONDO:0016512.

Submission:

Labcorp Genetics (formerly Invitae), Labcorp
Classification: Uncertain significance for Kabuki syndrome. Last evaluated: 2022-11-23. Review status: criteria provided, single submitter. Criteria: Invitae Variant Classification Sherloc (09022015). Collection method: clinical testing. Allele origin: germline.
Comment: In summary, the available evidence is currently insufficient to determine the role of this variant in disease. Therefore, it has been classified as a Variant of Uncertain Significance. Advanced modeling of protein sequence and biophysical properties (such as structural, functional, and spatial information, amino acid conservation, physicochemical variation, residue mobility, and thermodynamic stability) performed at Invitae indicates that this missense variant is not expected to disrupt KMT2D protein function. This variant has not been reported in the literature in individuals affected with KMT2D-related conditions. This variant is not present in population databases (gnomAD no frequency). This sequence change replaces proline, which is neutral and non-polar, with arginine, which is basic and polar, at codon 2662 of the KMT2D protein (p.Pro2662Arg).

NM_003482.4(KMT2D):c.7985C>G (p.Pro2662Arg)

Gene: KMT2D (lysine methyltransferase 2D; minus strand). Cytogenetic location: 12q13.12.
Variant type: single nucleotide variant.
Coding change: c.7985C>G on transcript NM_003482.4 (MANE Select); coding-DNA position 7985, C replaced by G.
Protein change: p.Pro2662Arg; replaces proline 2662 with arginine.
Molecular consequence: missense variant.
Genome position (GRCh38, 1-based): chr12:49,039,785, G>C on the plus strand (C>G on the coding strand, the complement: KMT2D is on the minus strand). VCF-style: chr12-49039785-G-C. GRCh37 (hg19) VCF-style: chr12-49433568-G-C.
Other names: short protein forms P2662R.
Identifiers: ClinVar variation 2714885 (VCV002714885.3), dbSNP rs2120516582, ClinGen allele CA384745947.